The following is an entry in ClinVar:

NM_000030.3(AGXT):c.579_580del (p.Tyr194fs)

Gene: AGXT (alanine--glyoxylate aminotransferase; plus strand). Cytogenetic location: 2q37.3.
Variant type: Deletion.
Coding change: c.579_580del on transcript NM_000030.3 (MANE Select); coding-DNA positions 579 to 580, 2 bases deleted (TT; older notation c.579_580delTT).
Protein change: p.Tyr194fs; shifts the reading frame from tyrosine 194.
Molecular consequence: frameshift variant.
Genome position (GRCh38, 1-based): chr2:240,873,033-240,873,034, TT deleted; deleting any 2 consecutive bases within chr2:240,873,032-240,873,034 gives the same sequence; the c. name uses the placement nearest the transcript's 3' end. VCF-style (leftmost placement, unchanged base first): chr2-240873031-CTT-C. GRCh37 (hg19) VCF-style: chr2-241812448-CTT-C.
Other names: short protein forms Y194fs.
Identifiers: ClinVar variation 1725026 (VCV001725026.2), dbSNP rs2528749898, ClinGen allele CA2580068022.

ClinVar aggregate classification (germline): Likely pathogenic (1 of 4 stars; one submission).

Conditions:
Primary hyperoxaluria, type I (HP1). Also called: GLYCOLIC ACIDURIA; HEPATIC AGT DEFICIENCY; Primary hyperoxaluria type 1; OXALOSIS I. Identifiers: Orphanet 416, Orphanet 93598, MedGen C0268164, MONDO:0009823, OMIM 259900. Disease mechanism: loss of function.

Submission:

Myriad Genetics, Inc.
Classification: Likely pathogenic for Primary hyperoxaluria, type I. Last evaluated: 2022-03-05. Review status: criteria provided, single submitter. Criteria: Myriad Women's Health Autosomal Recessive and X-Linked Classification Criteria (2021). Collection method: clinical testing. Allele origin: unknown.
Comment: NM_000030.2(AGXT):c.579_580delTT(Y194Hfs*30) is expected to be pathogenic in the context of primary hyperoxaluria type 1. This variant is predicted to lead to an abnormal or absent protein product due to the creation of a premature termination codon in AGXT, a gene where loss-of-function variants are known to be pathogenic. Please note: this variant was assessed in the context of healthy population screening.